The following is an entry in ClinVar:

NM_002386.4(MC1R):c.*76C>T

Gene: MC1R (melanocortin 1 receptor; plus strand). Cytogenetic location: 16q24.3.
Variant type: single nucleotide variant.
Coding change: c.*76C>T on transcript NM_002386.4 (MANE Select); 76 bases downstream of the stop codon, C replaced by T.
Molecular consequence: 3 prime UTR variant.
Genome position (GRCh38, 1-based): chr16:89,920,288, C>T. VCF-style: chr16-89920288-C-T. GRCh37 (hg19) VCF-style: chr16-89986696-C-T.
Identifiers: ClinVar variation 886792 (VCV000886792.4), dbSNP rs545888975, ClinGen allele CA286607785.

ClinVar aggregate classification (germline): Benign (1 of 4 stars; one submission).

Conditions:
Melanoma, cutaneous malignant, susceptibility to, 5. Also called: Cutaneous malignant melanoma 5. Identifiers: Orphanet 618, MedGen C2751295, MONDO:0013133, OMIM 613099.

Allele frequency attached by ClinVar (database versions not stated): TOPMed 0.00007; gnomAD exomes 0.00038; 1000 Genomes Project 30x 0.00328; 1000 Genomes Project 0.00359.
gnomAD v4.1: 453 of 1,267,172 alleles (0.036%); highest among the groups gnomAD compares: South Asian, 0.57%; 10 homozygotes.

Submission:

Illumina Laboratory Services, Illumina
Classification: Benign for Melanoma, cutaneous malignant, susceptibility to, 5. Last evaluated: 2018-01-13. Review status: criteria provided, single submitter. Criteria: ICSL Variant Classification Criteria 13 December 2019. Collection method: clinical testing. Allele origin: germline.
Comment: This variant was observed in the ICSL laboratory as part of a predisposition screen in an ostensibly healthy population. It had not been previously curated by ICSL or reported in the Human Gene Mutation Database (HGMD: prior to June 1st, 2018), and was therefore a candidate for classification through an automated scoring system. Utilizing variant allele frequency, disease prevalence and penetrance estimates, and inheritance mode, an automated score was calculated to assess if this variant is too frequent to cause the disease. Based on the score and internal cut-off values, a variant classified as benign is not then subjected to further curation. The score for this variant resulted in a classification of benign for this disease.